The following is an entry in ClinVar:

NM_000018.4(ACADVL):c.1504C>G (p.Leu502Val)

Gene: ACADVL (acyl-CoA dehydrogenase very long chain; plus strand). Cytogenetic location: 17p13.1.
Variant type: single nucleotide variant.
Coding change: c.1504C>G on transcript NM_000018.4 (MANE Select); coding-DNA position 1504, C replaced by G.
Protein change: p.Leu502Val; replaces leucine 502 with valine.
Molecular consequence: missense variant.
Genome position (GRCh38, 1-based): chr17:7,224,215, C>G. VCF-style: chr17-7224215-C-G. GRCh37 (hg19) VCF-style: chr17-7127534-C-G.
Other names: c.1438C>G, p.Leu480Val (NM_001033859.3); c.1573C>G, p.Leu525Val (NM_001270447.2); c.1276C>G, p.Leu426Val (NM_001270448.2); short protein forms L502V, L480V, L426V, L525V.
Identifiers: ClinVar variation 203586 (VCV000203586.15), dbSNP rs779901247, ClinGen allele CA312277.

ClinVar aggregate classification (germline): Conflicting classifications of pathogenicity. Review status: criteria provided, conflicting classifications (1 of 4 stars). 6 submissions from 6 submitters: Likely pathogenic (1); Uncertain significance (5). Last evaluated 2025-02-21.

Conditions:
Inborn genetic diseases. Identifiers: MedGen C0950123, MeSH D030342.
Very long chain acyl-CoA dehydrogenase deficiency (ACADVLD). Also called: Very Long-Chain Acyl-Coenzyme A Dehydrogenase Deficiency; VLCAD Deficiency. Identifiers: Orphanet 26793, MedGen C3887523, MONDO:0008723, OMIM 201475.

Allele frequency attached by ClinVar (database versions not stated): TOPMed 0.00001; gnomAD 0.00002.
gnomAD v4.1: 7 of 1,613,886 alleles (0.00043%); highest among the groups gnomAD compares: African/African-American, 0.0013%; no homozygotes.

Submissions (6):

Women's Health and Genetics/Laboratory Corporation of America, LabCorp
Classification: Uncertain significance. Last evaluated: 2025-02-21. Review status: criteria provided, single submitter. Criteria: LabCorp Variant Classification Summary - May 2015. Collection method: clinical testing. Allele origin: germline.
Comment: Variant summary: ACADVL c.1504C>G (p.Leu502Val) results in a conservative amino acid change in the encoded protein sequence. Five of five in-silico tools predict a benign effect of the variant on protein function. The variant was absent in 251238 control chromosomes. The available data on variant occurrences in the general population are insufficient to allow any conclusion about variant significance. c.1504C>G has been reported in the literature in individuals diagnosed with Very Long Chain Acyl-CoA Dehydrogenase Deficiency by newborn screen with unclear clinical diagnoses (Erlingsson_2013, Pena_2016, Rovelli_2019). These report(s) do not provide unequivocal conclusions about association of the variant with Very Long Chain Acyl-CoA Dehydrogenase Deficiency. To our knowledge, no experimental evidence demonstrating an impact on protein function has been reported. The following publications have been ascertained in the context of this evaluation (PMID: 23867825, 27209629, 31031081). ClinVar contains an entry for this variant (Variation ID: 203586). Based on the evidence outlined above, the variant was classified as uncertain significance.

Ambry Genetics
Classification: Uncertain significance for Inborn genetic diseases. Last evaluated: 2023-03-09. Review status: criteria provided, single submitter. Criteria: Ambry Variant Classification Scheme 2023. Collection method: clinical testing. Allele origin: germline.

Labcorp Genetics (formerly Invitae), Labcorp
Classification: Uncertain significance for Very long chain acyl-CoA dehydrogenase deficiency. Last evaluated: 2022-07-31. Review status: criteria provided, single submitter. Criteria: Invitae Variant Classification Sherloc (09022015). Collection method: clinical testing. Allele origin: germline.
Comment: This sequence change replaces leucine, which is neutral and non-polar, with valine, which is neutral and non-polar, at codon 502 of the ACADVL protein (p.Leu502Val). This variant is not present in population databases (gnomAD no frequency). This missense change has been observed in individual(s) with very long-chain acyl-CoA dehydrogenase deficiency (PMID: 23867825, 27209629, 31031081). ClinVar contains an entry for this variant (Variation ID: 203586). Algorithms developed to predict the effect of missense changes on protein structure and function (SIFT, PolyPhen-2, Align-GVGD) all suggest that this variant is likely to be tolerated. Algorithms developed to predict the effect of sequence changes on RNA splicing suggest that this variant may create or strengthen a splice site. In summary, the available evidence is currently insufficient to determine the role of this variant in disease. Therefore, it has been classified as a Variant of Uncertain Significance.

Myriad Genetics, Inc.
Classification: Uncertain significance for Very long chain acyl-CoA dehydrogenase deficiency. Last evaluated: 2021-11-16. Review status: criteria provided, single submitter. Criteria: Myriad Women's Health Autosomal Recessive and X-Linked Classification Criteria (2021). Collection method: clinical testing. Allele origin: unknown.
Comment: NM_000018.3(ACADVL):c.1504C>G(L502V) is a missense variant classified as a variant of uncertain significance in the context of very long chain acyl-CoA dehydrogenase deficiency. L502V has been observed in cases with relevant disease (PMID: 26385305, 27209629, 23867825, 23418865). Functional assessments of this variant are not available in the literature. L502V has not been observed in population frequency databases. In summary, there is insufficient evidence to classify NM_000018.3(ACADVL):c.1504C>G(L502V) as pathogenic or benign. Please note: this variant was assessed in the context of healthy population screening.

Wong Mito Lab, Molecular and Human Genetics, Baylor College of Medicine
Classification: Uncertain significance for Very long chain acyl-CoA dehydrogenase deficiency. Last evaluated: 2019-11-01. Review status: criteria provided, single submitter. Criteria: ACMG Guidelines, 2015. Collection method: clinical testing. Allele origin: germline.
Comment: The NM_000018.3:c.1504C>G (NP_000009.1:p.Leu502Val) [GRCH38: NC_000017.11:g.7224215C>G] variant in ACADVL gene is interpretated to be Uncertain Significance based on ACMG guidelines (PMID: 25741868). This variant has been reported. This variant meets the following evidence codes reported in the ACMG guidelines: PM5, PP3

Eurofins Ntd Llc (ga)
Classification: Likely pathogenic. Last evaluated: 2015-07-06. Review status: criteria provided, single submitter. Criteria: EGL Classification Definitions 2015. Collection method: clinical testing. Allele origin: germline. Observed: 3 variant alleles, 3 heterozygotes.

Literature cited by the submitters: PubMed 23867825 (cited by 4 submitters); PubMed 27209629 (cited by 4 submitters); PubMed 31031081 (cited by 3 submitters); PubMed 26385305 (cited by Myriad Genetics, Inc.); PubMed 23418865 (cited by Myriad Genetics, Inc.).